The following is an entry in ClinVar:

ClinVar aggregate classification (germline): Likely pathogenic (1 of 4 stars; one submission).

Conditions:
Inborn genetic diseases. Identifiers: MedGen C0950123, MeSH D030342.

Submission:

Ambry Genetics
Classification: Likely pathogenic for Inborn genetic diseases. Last evaluated: 2026-07-08. Review status: criteria provided, single submitter. Criteria: Ambry Variant Classification Scheme 2023. Collection method: clinical testing. Allele origin: germline.
Comment: The c.2170delA (p.S724Afs*590) alteration, located in exon 5 (coding exon 4) of the DSPP gene, consists of a deletion of one nucleotide at position 2170, causing a translational frameshift with a predicted alternate stop codon after 590 amino acids. This variant occurs at the 3' terminus of the DSPP gene, is not expected to trigger nonsense-mediated mRNA decay, and results in the elongation of the protein by 11 amino acids. This variant was not reported in population-based cohorts in the Genome Aggregation Database (gnomAD). This variant is located in a region of the protein where frameshifting variants that escape nonsense mediated mRNA decay have been reported as disease-causing for DSPP-related dentin defects (Simmer, 2022). Based on the available evidence, this alteration is classified as likely pathogenic.

Literature cited by the submitters: PubMed 35627243.

NM_014208.3(DSPP):c.2170del (p.Ser724fs)

Genes: DMP1-AS1 (DMP1 and DSPP antisense RNA 1; minus strand), DSPP (dentin sialophosphoprotein; plus strand). Cytogenetic location: 4q22.1.
Variant type: Deletion.
Coding change: c.2170del on transcript NM_014208.3 (MANE Select); coding-DNA position 2170, one base deleted (A; older notation c.2170delA).
Protein change: p.Ser724fs; shifts the reading frame from serine 724.
Molecular consequence: frameshift variant.
Genome position (GRCh38, 1-based): chr4:87,614,832, A deleted. VCF-style (leftmost placement, unchanged base first): chr4-87614831-CA-C. GRCh37 (hg19) VCF-style: chr4-88535983-CA-C.
Other names: c.2170delA (NM_014208.3); short protein forms S724fs.
Identifiers: ClinVar variation 5035681 (VCV005035681.1).